The following is an entry in ClinVar:

ClinVar aggregate classification (germline): Likely benign. Review status: criteria provided, multiple submitters, no conflicts (2 of 4 stars). 3 submissions from 3 submitters: Likely benign (2). 1 of the submissions does not count toward it. Last evaluated 2025-04-09.

Conditions:
PRKAG2-related disorder. Also called: PRKAG2-related disorders; PRKAG2-related condition.

Allele frequency attached by ClinVar (database versions not stated): gnomAD exomes 0.00029; ExAC 0.00063; gnomAD 0.00329; TOPMed 0.00354; 1000 Genomes Project 0.00399; 1000 Genomes Project 30x 0.00453.
gnomAD v4.1: 917 of 1,536,218 alleles (0.06%); highest among the groups gnomAD compares: African/African-American, 1.1%; 4 homozygotes.

Submissions (3):

Molecular Diagnostic Laboratory for Inherited Cardiovascular Disease, Montreal Heart Institute
Classification: Likely benign. Last evaluated: 2025-04-09. Review status: criteria provided, single submitter. Criteria: ACMG Guidelines, 2015. Collection method: clinical testing. Allele origin: germline. Affected: no.

Blueprint Genetics
Classification: Likely benign. Last evaluated: 2024-10-29. Review status: criteria provided, single submitter. Criteria: ACMG Guidelines, 2015. Collection method: clinical testing. Allele origin: germline.

PreventionGenetics, part of Exact Sciences
Classification: Benign for PRKAG2-related condition. Last evaluated: 2019-02-19. Review status: no assertion criteria provided. Collection method: clinical testing. Allele origin: germline. Not counted in ClinVar's aggregate classification.
Comment: This variant is classified as benign based on ACMG/AMP sequence variant interpretation guidelines (Richards et al. 2015 PMID: 25741868, with internal and published modifications).

NM_016203.4(PRKAG2):c.466+45150C>T

Gene: PRKAG2 (protein kinase AMP-activated non-catalytic subunit gamma 2; minus strand). Cytogenetic location: 7q36.1.
Variant type: single nucleotide variant.
Coding change: c.466+45150C>T on transcript NM_016203.4 (MANE Select); 45150 bases into the intron after coding-DNA position 466, C replaced by T.
Molecular consequence: intron variant. On other transcripts: 5 prime UTR variant (6).
Genome position (GRCh38, 1-based): chr7:151,736,002, G>A on the plus strand (C>T on the coding strand, the complement: PRKAG2 is on the minus strand). VCF-style: chr7-151736002-G-A. GRCh37 (hg19) VCF-style: chr7-151433088-G-A.
Other names: c.-9C>T (NM_001304527.2, NM_001363698.2, NM_001407028.1 and 3 more transcripts); c.-91C>T (NM_001407038.1); c.466+45150C>T (NM_001407031.1, NM_001407030.1, NM_001407023.1 and 2 more transcripts); c.149-60365C>T (NM_001407032.1); c.334+45150C>T (NM_001407026.1, NM_001040633.2, NM_001407027.1 and 1 more transcripts); c.360+45124C>T (NM_001407033.1).
Identifiers: ClinVar variation 3045796 (VCV003045796.4), dbSNP rs567718215, ClinGen allele CA057162.